The following is an entry in ClinVar:

NM_025137.4(SPG11):c.2163dup (p.Ile722fs)

Gene: SPG11 (SPG11 vesicle trafficking associated, spatacsin; minus strand). Cytogenetic location: 15q21.1.
Variant type: Duplication.
Coding change: c.2163dup on transcript NM_025137.4 (MANE Select); coding-DNA position 2163, one base duplicated (T; older notation c.2163dupT).
Protein change: p.Ile722fs; shifts the reading frame from isoleucine 722.
Molecular consequence: frameshift variant.
Genome position (GRCh38, 1-based): chr15:44,626,412, A duplicated on the plus strand (T on the coding strand, the reverse complement: SPG11 is on the minus strand); the first of 2 consecutive A bases (chr15:44,626,412-44,626,413); duplicating either gives the same sequence. VCF-style (leftmost placement, unchanged base first): chr15-44626411-T-TA. GRCh37 (hg19) VCF-style: chr15-44918609-T-TA.
Other names: c.2163dup, p.Ile722fs (NM_001160227.2); c.2163dup (NM_025137.3); short protein forms I722fs.
Identifiers: ClinVar variation 41286 (VCV000041286.19), dbSNP rs312262738, ClinGen allele CA344314.

ClinVar aggregate classification (germline): Pathogenic. Review status: criteria provided, multiple submitters, no conflicts (2 of 4 stars). 6 submissions from 6 submitters: Pathogenic (5). 1 of the submissions does not count toward it. Last evaluated 2025-02-24.

Conditions:
Hereditary spastic paraplegia 11. Also called: SPASTIC PARAPLEGIA, AUTOSOMAL RECESSIVE, COMPLICATED, WITH THIN CORPUS CALLOSUM; SPASTIC PARAPLEGIA, AUTOSOMAL RECESSIVE, WITH MENTAL IMPAIRMENT AND THIN CORPUS CALLOSUM; Spastic paraplegia, mental retardation and thin corpus callosum; Spastic Paraplegia 11; Nakamura Osame syndrome; Autosomal recessive hereditary spastic paraplegia, mental impairment, and thin corpus callosum. Identifiers: Orphanet 2822, MedGen C1858479, MONDO:0011445, OMIM 604360.

Submissions (6):

Revvity Omics, Revvity
Classification: Pathogenic. Last evaluated: 2025-02-24. Review status: criteria provided, single submitter. Criteria: ACMG Guidelines, 2015. Collection method: clinical testing. Allele origin: germline.

Labcorp Genetics (formerly Invitae), Labcorp
Classification: Pathogenic for Hereditary spastic paraplegia 11. Last evaluated: 2024-09-15. Review status: criteria provided, single submitter. Criteria: Invitae Variant Classification Sherloc (09022015). Collection method: clinical testing. Allele origin: germline.
Comment: This sequence change creates a premature translational stop signal (p.Ile722Tyrfs*10) in the SPG11 gene. It is expected to result in an absent or disrupted protein product. Loss-of-function variants in SPG11 are known to be pathogenic (PMID: 19105190, 20110243, 22154821, 26556829). This variant is present in population databases (rs312262738, gnomAD 0.01%). This premature translational stop signal has been observed in individual(s) with complex hereditary spastic paraplegia (HSP) (PMID: 18835492). In at least one individual the data is consistent with being in trans (on the opposite chromosome) from a pathogenic variant. ClinVar contains an entry for this variant (Variation ID: 41286). For these reasons, this variant has been classified as Pathogenic.

Athena Diagnostics
Classification: Pathogenic. Last evaluated: 2016-09-30. Review status: criteria provided, single submitter. Criteria: Athena Diagnostics Criteria. Collection method: clinical testing. Allele origin: germline.

Genome-Nilou Lab
Classification: Pathogenic for Hereditary spastic paraplegia 11. Review status: criteria provided, single submitter. Criteria: ACMG Guidelines, 2015. Collection method: clinical testing. Allele origin: germline.

Juno Genomics, Hangzhou Juno Genomics, Inc
Classification: Pathogenic for Hereditary spastic paraplegia 11. Review status: criteria provided, single submitter. Criteria: ACMG Guidelines, 2015. Collection method: clinical testing. Allele origin: germline. Affected: yes.
Comment: Absent from controls (or at extremely low frequency if recessive) in Genome Aggregation Database, Exome Sequencing Project, 1000 Genomes Project, or Exome Aggregation Consortium.;Null variant in a gene where loss of function (LOF) is a known mechanism of disease.;For recessive disorders, detected in trans with a pathogenic variant.;Patient's phenotype or family history is highly specific for a disease with a single genetic etiology.

GeneReviews
No classification provided. Condition: Hereditary spastic paraplegia 11. Review status: no classification provided. Collection method: literature only. Allele origin: unknown. Not counted in ClinVar's aggregate classification.

Literature cited by the submitters: PubMed 19105190 (cited by Labcorp Genetics (formerly Invitae), Labcorp); PubMed 20110243 (cited by Labcorp Genetics (formerly Invitae), Labcorp); PubMed 22154821 (cited by Labcorp Genetics (formerly Invitae), Labcorp); PubMed 26556829 (cited by Labcorp Genetics (formerly Invitae), Labcorp); PubMed 18835492 (cited by 3 submitters); PubMed 19513778 (cited by Athena Diagnostics); PubMed 20301389 (cited by GeneReviews); NCBI Bookshelf NBK1210 (cited by GeneReviews).